The following is an entry in ClinVar:

ClinVar aggregate classification (germline): Uncertain significance (1 of 4 stars; one submission).

Submission:

Labcorp Genetics (formerly Invitae), Labcorp
Classification: Uncertain significance. Last evaluated: 2025-05-22. Review status: criteria provided, single submitter. Criteria: Invitae Variant Classification Sherloc (09022015). Collection method: clinical testing. Allele origin: germline.
Comment: This sequence change replaces isoleucine, which is neutral and non-polar, with valine, which is neutral and non-polar, at codon 178 of the SLC10A2 protein (p.Ile178Val). This variant is not present in population databases (gnomAD no frequency). This variant has not been reported in the literature in individuals affected with SLC10A2-related conditions. Invitae Evidence Modeling of protein sequence and biophysical properties (such as structural, functional, and spatial information, amino acid conservation, physicochemical variation, residue mobility, and thermodynamic stability) indicates that this missense variant is not expected to disrupt SLC10A2 protein function with a negative predictive value of 80%. In summary, the available evidence is currently insufficient to determine the role of this variant in disease. Therefore, it has been classified as a Variant of Uncertain Significance.

NM_000452.3(SLC10A2):c.532A>G (p.Ile178Val)

Gene: SLC10A2 (solute carrier family 10 member 2; minus strand). Cytogenetic location: 13q33.1.
Variant type: single nucleotide variant.
Coding change: c.532A>G on transcript NM_000452.3 (MANE Select); coding-DNA position 532, A replaced by G.
Protein change: p.Ile178Val; replaces isoleucine 178 with valine.
Molecular consequence: missense variant.
Genome position (GRCh38, 1-based): chr13:103,052,673, T>C on the plus strand (A>G on the coding strand, the complement: SLC10A2 is on the minus strand). VCF-style: chr13-103052673-T-C. GRCh37 (hg19) VCF-style: chr13-103705023-T-C.
Other names: short protein forms I178V.
Identifiers: ClinVar variation 4768541 (VCV004768541.1).